The following is an entry in ClinVar:

ClinVar aggregate classification (germline): Likely benign (1 of 4 stars; one submission).

Allele frequency attached by ClinVar (database versions not stated): gnomAD 0.00049; TOPMed 0.00060; ESP Exome Variant Server 0.00069; ExAC 0.00082; gnomAD exomes 0.00096.
gnomAD v4.1: 1,397 of 1,575,546 alleles (0.089%); highest among the groups gnomAD compares: Non-Finnish European, 0.12%; 1 homozygote.

Submission:

CeGaT Center for Human Genetics Tuebingen
Classification: Likely benign. Last evaluated: 2022-08-01. Review status: criteria provided, single submitter. Criteria: CeGaT Center For Human Genetics Tuebingen Variant Classification Criteria Version 2. Collection method: clinical testing. Allele origin: germline. Affected: yes. Observed: 1 variant allele.
Comment: MOGAT3: BP4, BP7

NM_178176.4(MOGAT3):c.864C>T (p.Thr288=)

Gene: MOGAT3 (monoacylglycerol O-acyltransferase 3; minus strand). Cytogenetic location: 7q22.1.
Variant type: single nucleotide variant.
Coding change: c.864C>T on transcript NM_178176.4 (MANE Select); coding-DNA position 864, C replaced by T.
Protein change: p.Thr288=; no amino-acid change (threonine 288 retained).
Molecular consequence: synonymous variant. On other transcripts: intron variant (1).
Genome position (GRCh38, 1-based): chr7:101,196,194, G>A on the plus strand (C>T on the coding strand, the complement: MOGAT3 is on the minus strand). VCF-style: chr7-101196194-G-A. GRCh37 (hg19) VCF-style: chr7-100839475-G-A.
Other names: c.669-94C>T (NM_001287147.2).
Identifiers: ClinVar variation 2657854 (VCV002657854.24), dbSNP rs139195256, ClinGen allele CA4406939.
Genomic context (GRCh38, chr7:101,196,194, plus strand): 5'-CCCTGATGCCCACGCAGCTGCTGGTGGCCGTCCCCCCGGAGGTGGGCACTCACCCACAGT[G>A]GTGATGGGCACAGCAAAGGGCAGCAGGCCCCAGGAGGTGGCTGAGAAGAGACCGCGACCC-3'
Protein context (NP_835470.1, residues 278-298): WGLLPFAVPI[Thr288=]TVVGRPIPVP